The following is an entry in ClinVar:

ClinVar aggregate classification (germline): Likely pathogenic (1 of 4 stars; one submission).

Conditions:
Cardiovascular phenotype. Identifiers: MedGen CN230736.

Submission:

Ambry Genetics
Classification: Likely pathogenic for Cardiovascular phenotype. Last evaluated: 2024-02-01. Review status: criteria provided, single submitter. Criteria: Ambry Variant Classification Scheme 2023. Collection method: clinical testing. Allele origin: germline.
Comment: The c.12791_12792delCA variant, located in coding exon 44 of the TTN gene, results from a deletion of two nucleotides at nucleotide positions 12791 to 12792, causing a translational frameshift with a predicted alternate stop codon (p.T4264Ifs*6). This exon is located in the I-band region of the N2-B isoform of the titin protein and is constitutively expressed in TTN transcripts (percent spliced in or PSI 100%). This alteration is expected to result in loss of function by premature protein truncation or nonsense-mediated mRNA decay. While truncating variants in TTN are present in 1-3% of the general population, truncating variants in the A-band are the most common cause of dilated cardiomyopathy (DCM) (Herman DS et al. N. Engl. J. Med., 2012 Feb;366:619-28; Roberts AM et al. Sci Transl Med, 2015 Jan;7:270ra6). TTN truncating variants encoded in constitutive exons (PSI >90%) have been found to be significantly associated with DCM regardless of their position in titin (Schafer S et al. Nat. Genet., 2017 01;49:46-53). This variant is considered to be rare based on population cohorts in the Genome Aggregation Database (gnomAD). Based on the majority of available evidence to date, this variant is likely to be pathogenic.

NM_001267550.2(TTN):c.13880_13881del (p.Thr4627fs)

Gene: TTN (titin; minus strand). Cytogenetic location: 2q31.2.
Variant type: Deletion.
Coding change: c.13880_13881del on transcript NM_001267550.2 (MANE Select); coding-DNA positions 13880 to 13881, 2 bases deleted (CA; older notation c.13880_13881delCA).
Protein change: p.Thr4627fs; shifts the reading frame from threonine 4627.
Molecular consequence: frameshift variant. On other transcripts: intron variant (1).
Genome position (GRCh38, 1-based): chr2:178,739,352-178,739,353, TG deleted on the plus strand (CA on the coding strand, the reverse complement: TTN is on the minus strand); deleting any 2 consecutive bases within chr2:178,739,352-178,739,354 gives the same sequence; the c. name uses the placement nearest the transcript's 3' end. VCF-style (leftmost placement, unchanged base first): chr2-178739351-ATG-A. GRCh37 (hg19) VCF-style: chr2-179604078-ATG-A.
Other names: c.12929_12930del, p.Thr4310fs (NM_001256850.1); c.12791_12792del, p.Thr4264fs (NM_003319.4); c.13166_13167del, p.Thr4389fs (NM_133432.3); c.13367_13368del, p.Thr4456fs (NM_133437.4); c.10361-993_10361-992del (NM_133378.4); c.12791_12792delCA (NM_003319.4); short protein forms T4264fs, T4310fs, T4389fs, T4456fs, T4627fs.
Identifiers: ClinVar variation 3223194 (VCV003223194.1), dbSNP rs2530600313, ClinGen allele CA2825001042.
Genomic context (GRCh38, chr2:178,739,351, plus strand): 5'-CATCTGAAGGCACCAGTTTATTCTCAAAATACCAATTCACCTCTTTAGCATTTGTTATGG[ATG>A]TTGTGAGGTGTACAATATCACCTTCCTCAGAAACAGTGTCCACTAAAGGTGTATGTATCA-3'